The following is an entry in ClinVar:

ClinVar aggregate classification (germline): Benign/Likely benign. Review status: criteria provided, multiple submitters, no conflicts (2 of 4 stars). 3 submissions from 3 submitters: Benign (1); Likely benign (2). Last evaluated 2025-02-24.

Conditions:
Hereditary cancer-predisposing syndrome. Also called: Hereditary neoplastic syndrome; Hereditary Cancer Syndrome; Tumor predisposition; Neoplastic Syndromes, Hereditary. Identifiers: Orphanet 140162, MedGen C0027672, MeSH D009386, MONDO:0015356.
Breast-ovarian cancer, familial, susceptibility to, 4. Identifiers: Orphanet 145, MedGen C3280345, MONDO:0013669, OMIM 614291.

Allele frequency attached by ClinVar (database versions not stated): gnomAD exomes below 0.00001.
gnomAD v4.1: 1 of 1,613,346 alleles (0.000062%); highest among the groups gnomAD compares: African/African-American, 0.0013%; no homozygotes.

Submissions (3):

Myriad Genetics, Inc.
Classification: Benign for Breast-ovarian cancer, familial, susceptibility to, 4. Last evaluated: 2025-02-24. Review status: criteria provided, single submitter. Criteria: Myriad Autosomal Dominant, Autosomal Recessive and X-Linked Classification Criteria (2023). Collection method: clinical testing. Allele origin: unknown.
Comment: This variant is considered benign. This variant is a silent/synonymous amino acid change and it is not expected to impact splicing.

Labcorp Genetics (formerly Invitae), Labcorp
Classification: Likely benign for Breast-ovarian cancer, familial, susceptibility to, 4. Last evaluated: 2020-02-07. Review status: criteria provided, single submitter. Criteria: Invitae Variant Classification Sherloc (09022015). Collection method: clinical testing. Allele origin: germline.

Ambry Genetics
Classification: Likely benign for Hereditary cancer-predisposing syndrome. Last evaluated: 2017-09-21. Review status: criteria provided, single submitter. Criteria: Ambry Variant Classification Scheme 2023. Collection method: clinical testing. Allele origin: germline.

NM_002878.4(RAD51D):c.516A>G (p.Ala172=)

Genes: RAD51D (RAD51 paralog D; minus strand), RAD51L3-RFFL (RAD51L3-RFFL readthrough; minus strand). Cytogenetic location: 17q12.
Variant type: single nucleotide variant.
Coding change: c.516A>G on transcript NM_002878.4 (MANE Select); coding-DNA position 516, A replaced by G.
Protein change: p.Ala172=; no amino-acid change (alanine 172 retained).
Molecular consequence: synonymous variant. On other transcripts: non-coding transcript variant (3).
Genome position (GRCh38, 1-based): chr17:35,106,446, T>C on the plus strand (A>G on the coding strand, the complement: RAD51D is on the minus strand). VCF-style: chr17-35106446-T-C. GRCh37 (hg19) VCF-style: chr17-33433465-T-C.
Other names: c.576A>G, p.Ala192= (NM_001142571.2); c.180A>G, p.Ala60= (NM_133629.3).
Identifiers: ClinVar variation 1154461 (VCV001154461.10), dbSNP rs2142429380, ClinGen allele CA499731596.